The following is an entry in ClinVar:

NM_018341.3(ERMARD):c.1617C>T (p.Ile539=)

Gene: ERMARD (ER membrane associated RNA degradation; plus strand). Cytogenetic location: 6q27.
Variant type: single nucleotide variant.
Coding change: c.1617C>T on transcript NM_018341.3 (MANE Select); coding-DNA position 1617, C replaced by T.
Protein change: p.Ile539=; no amino-acid change (isoleucine 539 retained).
Molecular consequence: synonymous variant. On other transcripts: intron variant (2).
Genome position (GRCh38, 1-based): chr6:169,776,551, C>T. VCF-style: chr6-169776551-C-T. GRCh37 (hg19) VCF-style: chr6-170176647-C-T.
Other names: c.1239C>T, p.Ile413= (NM_001278532.2); c.1598+140C>T (NM_001278531.2); c.1520+486C>T (NM_001278533.2).
Identifiers: ClinVar variation 380788 (VCV000380788.4), dbSNP rs4716399, ClinGen allele CA4106360.
Genomic context (GRCh38, chr6:169,776,551, plus strand): 5'-TGTTCCCACCCTGTTCTGCCCCAGGATTGTGCTGGAAGTGCTGGTTGTGCTCCGAAGCAT[C>T]AGCGAACAGTGCCGCCGTGTGTCCAGCCAGGTCACCGTTGCCTCAGAGCTGAGACACAGG-3'
Protein context (NP_060811.1, residues 529-549): VLEVLVVLRS[Ile539=]SEQCRRVSSQ

ClinVar aggregate classification (germline): Benign. Review status: criteria provided, multiple submitters, no conflicts (2 of 4 stars). 2 submissions from 2 submitters: Benign (2). Last evaluated 2023-12-11.

Allele frequency attached by ClinVar (database versions not stated): TOPMed 0.31818; 1000 Genomes Project 0.34365; 1000 Genomes Project 30x 0.34744; gnomAD exomes 0.23203 and 0.26156; ExAC 0.26614; gnomAD 0.30114 and 0.30166; ESP Exome Variant Server 0.30955.
gnomAD v4.1: 385,741 of 1,613,530 alleles (24%); highest among the groups gnomAD compares: African/African-American, 48%; 49,154 homozygotes.

Submissions (2):

Labcorp Genetics (formerly Invitae), Labcorp
Classification: Benign. Last evaluated: 2023-12-11. Review status: criteria provided, single submitter. Criteria: Invitae Variant Classification Sherloc (09022015). Collection method: clinical testing. Allele origin: germline.

GeneDx
Classification: Benign. Last evaluated: 2016-01-11. Review status: criteria provided, single submitter. Criteria: GeneDx Variant Classification (06012015). Collection method: clinical testing. Allele origin: germline. Affected: yes.
Comment: This variant is considered likely benign or benign based on one or more of the following criteria: it is a conservative change, it occurs at a poorly conserved position in the protein, it is predicted to be benign by multiple in silico algorithms, and/or has population frequency not consistent with disease.